The following is an entry in ClinVar:

NM_199420.4(POLQ):c.5537G>A (p.Cys1846Tyr)

Gene: POLQ (DNA polymerase theta; minus strand). Cytogenetic location: 3q13.33.
Variant type: single nucleotide variant.
Coding change: c.5537G>A on transcript NM_199420.4 (MANE Select); coding-DNA position 5537, G replaced by A.
Protein change: p.Cys1846Tyr; replaces cysteine 1846 with tyrosine.
Molecular consequence: missense variant.
Genome position (GRCh38, 1-based): chr3:121,487,394, C>T on the plus strand (G>A on the coding strand, the complement: POLQ is on the minus strand). VCF-style: chr3-121487394-C-T. GRCh37 (hg19) VCF-style: chr3-121206241-C-T.
Other names: short protein forms C1846Y.
Identifiers: ClinVar variation 3422546 (VCV003422546.1).
Genomic context (GRCh38, chr3:121,487,394, plus strand): 5'-TTAGAAGATGTCAAACTTCTAATCTTTTCACAAGCCAGTGAGATGGAAAATCGCTTTTTG[C>T]ACCGCCACTCCTTAATGAATGTTTGGAAAAGATTTTGGTCACTTGCTACATCAATTATGG-3'
Protein context (NP_955452.3, residues 1836-1856): LFQTFIKEWR[Cys1846Tyr]KKRFSISLAC

ClinVar aggregate classification (germline): Uncertain significance (1 of 4 stars; one submission).

Submission:

Ambry Genetics
Classification: Uncertain significance. Last evaluated: 2024-09-15. Review status: criteria provided, single submitter. Criteria: Ambry Variant Classification Scheme 2023. Collection method: clinical testing. Allele origin: germline.
Comment: The p.C1846Y variant (also known as c.5537G>A), located in coding exon 16 of the POLQ gene, results from a G to A substitution at nucleotide position 5537. The cysteine at codon 1846 is replaced by tyrosine, an amino acid with highly dissimilar properties. This amino acid position is conserved. In addition, this alteration is predicted to be tolerated by in silico analysis. Based on the available evidence, the clinical significance of this variant remains unclear.